The following is an entry in ClinVar:

ClinVar aggregate classification (germline): Likely pathogenic (1 of 4 stars; one submission).

Conditions:
Combined immunodeficiency due to LRBA deficiency. Also called: Common variable immunodeficiency 8, with autoimmunity. Identifiers: Orphanet 445018, MedGen C3553512, MONDO:0013863, OMIM 614700.

Submission:

MVZ Medizinische Genetik Mainz
Classification: Likely pathogenic for Combined immunodeficiency due to LRBA deficiency. Last evaluated: 2026-07-24. Review status: criteria provided, single submitter. Criteria: UK Practice Guidelines For Variant Classification V4 01 2020. Collection method: clinical testing. Allele origin: germline. Inheritance: Autosomal recessive inheritance. Affected: yes. Observed: 1 variant allele.
Comment: ACMG Criteria: PVS1,PM2_SUP

NM_001364905.1(LRBA):c.1186dup (p.Ser396fs)

Gene: LRBA (LPS responsive beige-like anchor protein; minus strand). Cytogenetic location: 4q31.3.
Variant type: Duplication.
Coding change: c.1186dup on transcript NM_001364905.1 (MANE Select); coding-DNA position 1186, one base duplicated (A; older notation c.1186dupA).
Protein change: p.Ser396fs; shifts the reading frame from serine 396.
Molecular consequence: frameshift variant.
Genome position (GRCh38, 1-based): chr4:150,908,833, T duplicated on the plus strand (A on the coding strand, the reverse complement: LRBA is on the minus strand); the first of 3 consecutive T bases (chr4:150,908,833-150,908,835); duplicating any one gives the same sequence. VCF-style (leftmost placement, unchanged base first): chr4-150908832-C-CT. GRCh37 (hg19) VCF-style: chr4-151829984-C-CT.
Other names: c.1186dup, p.Ser396fs (NM_001199282.3, NM_001367550.1, NM_001440430.1 and 2 more transcripts); short protein forms S396fs.
Identifiers: ClinVar variation 5038256 (VCV005038256.1).